The following is an entry in ClinVar:

NM_000059.4(BRCA2):c.7538C>A (p.Ala2513Glu)

Gene: BRCA2 (BRCA2 DNA repair associated; plus strand). Cytogenetic location: 13q13.1.
Variant type: single nucleotide variant.
Coding change: c.7538C>A on transcript NM_000059.4 (MANE Select); coding-DNA position 7538, C replaced by A.
Protein change: p.Ala2513Glu; replaces alanine 2513 with glutamic acid.
Molecular consequence: missense variant.
Genome position (GRCh38, 1-based): chr13:32,356,530, C>A. VCF-style: chr13-32356530-C-A. GRCh37 (hg19) VCF-style: chr13-32930667-C-A.
Other names: short protein forms A2513E.
Identifiers: ClinVar variation 409452 (VCV000409452.9), dbSNP rs1060502401, ClinGen allele CA16614004.
Genomic context (GRCh38, chr13:32,356,530, plus strand): 5'-TGCGAATTAAGAAGAAACAAAGGCAACGCGTCTTTCCACAGCCAGGCAGTCTGTATCTTG[C>A]AAAAACATCCACTCTGCCTCGAATCTCTCTGAAAGCAGCAGTAGGAGGCCAAGTTCCCTC-3'
Protein context (NP_000050.3, residues 2503-2523): VFPQPGSLYL[Ala2513Glu]KTSTLPRISL

ClinVar aggregate classification (germline): Uncertain significance (1 of 4 stars; one submission).

Conditions:
Hereditary breast ovarian cancer syndrome. Also called: Hereditary breast and ovarian cancer; Hereditary breast and/or ovarian cancer syndrome; BRCA1- and BRCA2-Associated Hereditary Breast and Ovarian Cancer; Hereditary breast and ovarian cancer syndrome; Hereditary breast and ovarian cancer syndrome (HBOC); Breast and ovarian cancer. Identifiers: Orphanet 145, MedGen C0677776, MeSH D061325, MONDO:0003582. Disease mechanism: loss of function.

gnomAD v4.1: 1 of 1,614,214 alleles (0.000062%); no homozygotes.

Submission:

Labcorp Genetics (formerly Invitae), Labcorp
Classification: Uncertain significance for Hereditary breast ovarian cancer syndrome. Last evaluated: 2024-02-24. Review status: criteria provided, single submitter. Criteria: Invitae Variant Classification Sherloc (09022015). Collection method: clinical testing. Allele origin: germline.
Comment: This sequence change replaces alanine, which is neutral and non-polar, with glutamic acid, which is acidic and polar, at codon 2513 of the BRCA2 protein (p.Ala2513Glu). This variant is present in population databases (no rsID available, gnomAD 0.01%). This variant has not been reported in the literature in individuals affected with BRCA2-related conditions. ClinVar contains an entry for this variant (Variation ID: 409452). Advanced modeling of protein sequence and biophysical properties (such as structural, functional, and spatial information, amino acid conservation, physicochemical variation, residue mobility, and thermodynamic stability) performed at Invitae indicates that this missense variant is not expected to disrupt BRCA2 protein function with a negative predictive value of 95%. In summary, the available evidence is currently insufficient to determine the role of this variant in disease. Therefore, it has been classified as a Variant of Uncertain Significance.